The following is an entry in ClinVar:

ClinVar aggregate classification (germline): Uncertain significance (1 of 4 stars; one submission).

Allele frequency attached by ClinVar (database versions not stated): gnomAD exomes below 0.00001; TOPMed below 0.00001.
gnomAD v4.1: 2 of 1,614,050 alleles (0.00012%); highest among the groups gnomAD compares: South Asian, 0.0011%; no homozygotes.

Submission:

Labcorp Genetics (formerly Invitae), Labcorp
Classification: Uncertain significance. Last evaluated: 2020-01-28. Review status: criteria provided, single submitter. Criteria: Invitae Variant Classification Sherloc (09022015). Collection method: clinical testing. Allele origin: germline.
Comment: In summary, the available evidence is currently insufficient to determine the role of this variant in disease. Therefore, it has been classified as a Variant of Uncertain Significance. Algorithms developed to predict the effect of sequence changes on RNA splicing suggest that this variant may create or strengthen a splice site, but this prediction has not been confirmed by published transcriptional studies. This variant has not been reported in the literature in individuals with SCN3A-related disease. This variant is not present in population databases (ExAC no frequency). This sequence change affects codon 657 of the SCN3A mRNA. It is a 'silent' change, meaning that it does not change the encoded amino acid sequence of the SCN3A protein.

NM_006922.4(SCN3A):c.1971G>A (p.Val657=)

Gene: SCN3A (sodium voltage-gated channel alpha subunit 3; minus strand). Cytogenetic location: 2q24.3.
Variant type: single nucleotide variant.
Coding change: c.1971G>A on transcript NM_006922.4 (MANE Select); coding-DNA position 1971, G replaced by A.
Protein change: p.Val657=; no amino-acid change (valine 657 retained).
Molecular consequence: synonymous variant. On other transcripts: intron variant (2).
Genome position (GRCh38, 1-based): chr2:165,140,699, C>T on the plus strand (G>A on the coding strand, the complement: SCN3A is on the minus strand). VCF-style: chr2-165140699-C-T. GRCh37 (hg19) VCF-style: chr2-165997209-C-T.
Other names: c.1872+99G>A (NM_001081676.2, NM_001081677.2).
Identifiers: ClinVar variation 948405 (VCV000948405.9), dbSNP rs1687955079, ClinGen allele CA429884533.
Genomic context (GRCh38, chr2:165,140,699, plus strand): 5'-ATCTATTATCACCTCTGGGGGAAGTTGTCCAGTAGGTGACGTTAGAGCTGAAGGTCCACC[C>T]ACCAAGGAAACCACACCATTGCAATCCACAGTGCTGTGCATCTTCCCATTTGCTGGAAGC-3'
Protein context (NP_008853.3, residues 647-667): TVDCNGVVSL[Val657=]GGPSALTSPT